The following is an entry in ClinVar:

ClinVar aggregate classification (germline): Conflicting classifications of pathogenicity. Review status: criteria provided, conflicting classifications (1 of 4 stars). 11 submissions from 11 submitters: Uncertain significance (1); Benign (3); Likely benign (4). 3 of the submissions do not count toward it. Last evaluated 2026-01-16.

Conditions:
Charcot-Marie-Tooth disease X-linked dominant 6. Also called: CHARCOT-MARIE-TOOTH NEUROPATHY, X-LINKED DOMINANT, 6. Identifiers: Orphanet 352675, MedGen C3806702, MONDO:0010479, OMIM 300905.
PDK3-related disorder. Also called: PDK3-related condition.
Charcot-Marie-Tooth disease. Also called: Charcot-Marie-Tooth Hereditary Neuropathy; Charcot-Marie-Tooth Neuropathy. Identifiers: Orphanet 166, MedGen C0007959, MONDO:0015626.

Allele frequency attached by ClinVar (database versions not stated): 1000 Genomes Project 30x 0.00021; 1000 Genomes Project 0.00026; TOPMed 0.00107; gnomAD 0.00115 and 0.00119; ExAC 0.00119; gnomAD exomes 0.00120 and 0.00204; ESP Exome Variant Server 0.00151.

Submissions (11):

Labcorp Genetics (formerly Invitae), Labcorp
Classification: Benign for Charcot-Marie-Tooth disease X-linked dominant 6. Last evaluated: 2026-01-16. Review status: criteria provided, single submitter. Criteria: Invitae Variant Classification Sherloc (09022015). Collection method: clinical testing. Allele origin: germline.

ARUP Laboratories, Molecular Genetics and Genomics, ARUP Laboratories
Classification: Likely benign for Charcot-Marie-Tooth disease X-linked dominant 6. Last evaluated: 2025-07-17. Review status: criteria provided, single submitter. Criteria: ARUP Molecular Germline Variant Investigation Process 2024. Collection method: clinical testing. Allele origin: germline.

Blueprint Genetics
Classification: Likely benign. Last evaluated: 2024-11-07. Review status: criteria provided, single submitter. Criteria: ACMG Guidelines, 2015. Collection method: clinical testing. Allele origin: germline.

Ambry Genetics
Classification: Benign. Last evaluated: 2023-03-14. Review status: criteria provided, single submitter. Criteria: Ambry Variant Classification Scheme 2023. Collection method: clinical testing. Allele origin: germline.

Genome-Nilou Lab
Classification: Benign for Charcot-Marie-Tooth disease X-linked dominant 6. Last evaluated: 2021-09-05. Review status: criteria provided, single submitter. Criteria: ACMG Guidelines, 2015. Collection method: clinical testing. Allele origin: germline. Affected: no.

CeGaT Center for Human Genetics Tuebingen
Classification: Uncertain significance. Last evaluated: 2017-05-01. Review status: criteria provided, single submitter. Criteria: CeGaT Center For Human Genetics Tuebingen Variant Classification Criteria Version 2. Collection method: clinical testing. Allele origin: germline. Affected: yes. Observed: 1 variant allele.

GeneDx
Classification: Likely benign. Last evaluated: 2015-12-03. Review status: criteria provided, single submitter. Criteria: GeneDx Variant Classification (06012015). Collection method: clinical testing. Allele origin: germline. Affected: yes.
Comment: This variant is considered likely benign or benign based on one or more of the following criteria: it is a conservative change, it occurs at a poorly conserved position in the protein, it is predicted to be benign by multiple in silico algorithms, and/or has population frequency not consistent with disease.

Molecular Genetics Laboratory, London Health Sciences Centre
Classification: Likely benign for Charcot-Marie-Tooth disease. Review status: criteria provided, single submitter. Criteria: ACMG Guidelines, 2015. Collection method: clinical testing. Allele origin: germline. Affected: yes.

PreventionGenetics, part of Exact Sciences
Classification: Likely benign for PDK3-related condition. Last evaluated: 2023-12-11. Review status: no assertion criteria provided. Collection method: clinical testing. Allele origin: germline. Not counted in ClinVar's aggregate classification.
Comment: This variant is classified as likely benign based on ACMG/AMP sequence variant interpretation guidelines (Richards et al. 2015 PMID: 25741868, with internal and published modifications).

Genome Diagnostics Laboratory, University Medical Center Utrecht
Classification: Likely benign. Review status: no assertion criteria provided. Collection method: clinical testing. Allele origin: germline. Affected: yes. Study: VKGL Data-share Consensus. Not counted in ClinVar's aggregate classification.

Laboratory of Diagnostic Genome Analysis, Leiden University Medical Center (LUMC)
Classification: Likely benign. Review status: no assertion criteria provided. Collection method: clinical testing. Allele origin: germline. Affected: yes. Study: VKGL Data-share Consensus. Not counted in ClinVar's aggregate classification.

NM_005391.5(PDK3):c.376A>G (p.Met126Val)

Gene: PDK3 (pyruvate dehydrogenase kinase 3; plus strand). Cytogenetic location: Xp22.11.
Variant type: single nucleotide variant.
Coding change: c.376A>G on transcript NM_005391.5 (MANE Select); coding-DNA position 376, A replaced by G.
Protein change: p.Met126Val; replaces methionine 126 with valine.
Molecular consequence: missense variant.
Genome position (GRCh38, 1-based): chrX:24,503,382, A>G. VCF-style: chrX-24503382-A-G. GRCh37 (hg19) VCF-style: chrX-24521499-A-G.
Other names: c.376A>G, p.Met126Val (NM_001142386.3); short protein forms M126V.
Identifiers: ClinVar variation 382040 (VCV000382040.62), dbSNP rs138321172, ClinGen allele CA10372281.